The following is an entry in ClinVar:

NM_000059.4(BRCA2):c.6181G>C (p.Ala2061Pro)

Gene: BRCA2 (BRCA2 DNA repair associated; plus strand). Cytogenetic location: 13q13.1.
Variant type: single nucleotide variant.
Coding change: c.6181G>C on transcript NM_000059.4 (MANE Select); coding-DNA position 6181, G replaced by C.
Protein change: p.Ala2061Pro; replaces alanine 2061 with proline.
Molecular consequence: missense variant.
Genome position (GRCh38, 1-based): chr13:32,340,536, G>C. VCF-style: chr13-32340536-G-C. GRCh37 (hg19) VCF-style: chr13-32914673-G-C.
Other names: short protein forms A2061P.
Identifiers: ClinVar variation 1490444 (VCV001490444.9), dbSNP rs1555284585, ClinGen allele CA387788395.

ClinVar aggregate classification (germline): Conflicting classifications of pathogenicity. Review status: criteria provided, conflicting classifications (1 of 4 stars). 2 submissions from 2 submitters: Uncertain significance (1); Likely benign (1). Last evaluated 2023-03-23.

Conditions:
Hereditary cancer-predisposing syndrome. Also called: Tumor predisposition; Hereditary neoplastic syndrome; Neoplastic Syndromes, Hereditary; Hereditary Cancer Syndrome. Identifiers: Orphanet 140162, MedGen C0027672, MeSH D009386, MONDO:0015356.
Hereditary breast ovarian cancer syndrome. Also called: Hereditary breast and ovarian cancer; Hereditary breast and ovarian cancer syndrome; Hereditary breast and/or ovarian cancer syndrome; Hereditary breast and ovarian cancer syndrome (HBOC); Breast and ovarian cancer; BRCA1- and BRCA2-Associated Hereditary Breast and Ovarian Cancer. Identifiers: Orphanet 145, MedGen C0677776, MeSH D061325, MONDO:0003582. Disease mechanism: loss of function.

gnomAD v4.1: 1 of 1,613,100 alleles (0.000062%); highest among the groups gnomAD compares: South Asian, 0.0011%; no homozygotes.

Submissions (2):

University of Washington Department of Laboratory Medicine, University of Washington
Classification: Likely benign for Hereditary cancer-predisposing syndrome. Last evaluated: 2023-03-23. Review status: criteria provided, single submitter. Criteria: Dines et al. (Genet Med. 2020). Collection method: curation. Allele origin: germline.
Comment: Missense variant in a coldspot region where missense variants are very unlikely to be pathogenic (PMID:31911673).

BRCA2 exon 11 coldspot. Reclassification based on statistical prior probability.

Labcorp Genetics (formerly Invitae), Labcorp
Classification: Uncertain significance for Hereditary breast ovarian cancer syndrome. Last evaluated: 2020-10-30. Review status: criteria provided, single submitter. Criteria: Invitae Variant Classification Sherloc (09022015). Collection method: clinical testing. Allele origin: germline.
Comment: In summary, the available evidence is currently insufficient to determine the role of this variant in disease. Therefore, it has been classified as a Variant of Uncertain Significance. Advanced modeling of protein sequence and biophysical properties (such as structural, functional, and spatial information, amino acid conservation, physicochemical variation, residue mobility, and thermodynamic stability) performed at Invitae indicates that this missense variant is not expected to disrupt BRCA2 protein function. This variant has not been reported in the literature in individuals with BRCA2-related conditions. This variant is not present in population databases (ExAC no frequency). This sequence change replaces alanine with proline at codon 2061 of the BRCA2 protein (p.Ala2061Pro). The alanine residue is highly conserved and there is a small physicochemical difference between alanine and proline.